The following is an entry in ClinVar:

ClinVar aggregate classification (germline): Benign/Likely benign. Review status: criteria provided, multiple submitters, no conflicts (2 of 4 stars). 14 submissions from 14 submitters: Benign (3); Likely benign (5). 6 of the submissions do not count toward it. Last evaluated 2026-05-11.

Conditions:
History of neurodevelopmental disorder. Identifiers: MedGen C2711754.
Intellectual developmental disorder, X-linked, with panhypopituitarism. Also called: Intellectual disability, X-linked, with panhypopituitarism. Identifiers: MedGen C2678223, MONDO:0010252, OMIM 300123.
Abnormal brain morphology. Also called: Abnormality of brain morphology. Identifiers: MedGen C4021085, HP:0012443.

Allele frequency attached by ClinVar (database versions not stated): 1000 Genomes Project 0.00265; gnomAD 0.00412 and 0.00403; gnomAD exomes 0.00744 and 0.00251; ESP Exome Variant Server 0.00097; ExAC 0.00934; 1000 Genomes Project 30x 0.00291; TOPMed 0.00524.
gnomAD v4.1: 3,215 of 1,182,238 alleles (0.27%); highest among the groups gnomAD compares: Admixed American, 2.2%; 12 homozygotes.

Submissions (14):

Women's Health and Genetics/Laboratory Corporation of America, LabCorp
Classification: Likely benign. Last evaluated: 2026-05-11. Review status: criteria provided, single submitter. Criteria: LabCorp Variant Classification Summary - May 2015. Collection method: clinical testing. Allele origin: germline.

Labcorp Genetics (formerly Invitae), Labcorp
Classification: Benign. Last evaluated: 2026-01-09. Review status: criteria provided, single submitter. Criteria: Invitae Variant Classification Sherloc (09022015). Collection method: clinical testing. Allele origin: germline.

Blueprint Genetics
Classification: Likely benign. Last evaluated: 2024-11-27. Review status: criteria provided, single submitter. Criteria: ACMG Guidelines, 2015. Collection method: clinical testing. Allele origin: germline.

Laboratory for Molecular Medicine, Mass General Brigham Personalized Medicine
Classification: Benign. Last evaluated: 2023-10-18. Review status: criteria provided, single submitter. Criteria: ACMG Guidelines, 2015. Collection method: clinical testing. Allele origin: germline.
Comment: The p.Val53Leu variant in SOX3 is classified as benign because it has been identified in 2.1% of African/African American chromosomes, including 1 homozygote, in gnomAD (v.3.1.2), which is higher than expected for a disease causing variant in SOX3. ACMG/AMP Criteria applied: BA1.

Victorian Clinical Genetics Services, Murdoch Childrens Research Institute
Classification: Likely benign for Intellectual developmental disorder, X-linked, with panhypopituitarism. Last evaluated: 2023-07-17. Review status: criteria provided, single submitter. Criteria: ACMG Guidelines, 2015. Collection method: clinical testing. Allele origin: germline. Inheritance: X-linked inheritance.
Comment: Based on the classification scheme VCGS_Germline_v1.3.4, this variant is classified as likely benign. Following criteria are met: 0308 - Population frequency for this variant is out of keeping with known incidence of intellectual developmental disorder, X-linked, with isolated growth hormone deficiency, with more than 300 hemizygous alleles in gnomAD v2 (MIM#300123). (SB) Legend: (SP) - Supporting pathogenic, (I) - Information, (SB) - Supporting benign

Genetic Services Laboratory, University of Chicago
Classification: Likely benign. Last evaluated: 2019-03-18. Review status: criteria provided, single submitter. Criteria: ACMG Guidelines, 2015. Collection method: clinical testing. Allele origin: germline. Affected: no.

Eurofins Ntd Llc (ga)
Classification: Likely benign. Last evaluated: 2014-06-29. Review status: criteria provided, single submitter. Criteria: EGL Classification Definitions 2015. Collection method: clinical testing. Allele origin: germline. Observed: 3 variant alleles, 1 heterozygote, 2 hemizygotes.

Ambry Genetics
Classification: Benign for History of neurodevelopmental disorder. Last evaluated: 2012-12-03. Review status: criteria provided, single submitter. Criteria: Ambry Autosomal Dominant and X-Linked criteria (10/2015). Collection method: clinical testing. Allele origin: germline. Observed: 1 variant allele.

Clinical Genetics DNA and cytogenetics Diagnostics Lab, Erasmus MC, Erasmus Medical Center
Classification: Benign. Review status: no assertion criteria provided. Collection method: clinical testing. Allele origin: germline. Affected: yes. Study: VKGL Data-share Consensus. Not counted in ClinVar's aggregate classification.

Clinical Genetics, Academic Medical Center
Classification: Benign. Review status: no assertion criteria provided. Collection method: clinical testing. Allele origin: germline. Affected: yes. Study: VKGL Data-share Consensus. Not counted in ClinVar's aggregate classification.

Diagnostic Laboratory, Department of Genetics, University Medical Center Groningen
Classification: Benign. Review status: no assertion criteria provided. Collection method: clinical testing. Allele origin: germline. Affected: yes. Study: VKGL Data-share Consensus. Not counted in ClinVar's aggregate classification.

Genome Diagnostics Laboratory, University Medical Center Utrecht
Classification: Likely benign. Review status: no assertion criteria provided. Collection method: clinical testing. Allele origin: germline. Affected: yes. Study: VKGL Data-share Consensus. Not counted in ClinVar's aggregate classification.

Laboratory of Diagnostic Genome Analysis, Leiden University Medical Center (LUMC)
Classification: Likely benign. Review status: no assertion criteria provided. Collection method: clinical testing. Allele origin: germline. Affected: yes. Study: VKGL Data-share Consensus. Not counted in ClinVar's aggregate classification.

Lupski Lab, Baylor-Hopkins CMG, Baylor College of Medicine
Classification: Likely pathogenic for Abnormal brain morphology. Review status: flagged submission. Criteria: Karaca et al. (Neuron 2015). Collection method: research. Allele origin: inherited. Inheritance: X-linked inheritance. Affected: yes. Not counted in ClinVar's aggregate classification.
ClinVar note: Reason: Older and outlier claim with insufficient supporting evidence

NM_005634.3(SOX3):c.157G>C (p.Val53Leu)

Genes: SOX3 (SRY-box transcription factor 3; minus strand), LOC108281134 (SOX3 promoter region; plus strand). Cytogenetic location: Xq27.1.
Variant type: single nucleotide variant.
Coding change: c.157G>C on transcript NM_005634.3 (MANE Select); coding-DNA position 157, G replaced by C.
Protein change: p.Val53Leu; replaces valine 53 with leucine.
Molecular consequence: missense variant.
Genome position (GRCh38, 1-based): chrX:140,504,904, C>G on the plus strand (G>C on the coding strand, the complement: SOX3 is on the minus strand). VCF-style: chrX-140504904-C-G. GRCh37 (hg19) VCF-style: chrX-139587069-C-G.
Other names: short protein forms V53L.
Identifiers: ClinVar variation 167718 (VCV000167718.30), dbSNP rs200361128, ClinGen allele CA180451.